The following is an entry in ClinVar:

ClinVar aggregate classification (germline): Conflicting classifications of pathogenicity. Review status: criteria provided, conflicting classifications (1 of 4 stars). 5 submissions from 5 submitters: Likely pathogenic (2); Uncertain significance (2). 1 of the submissions does not count toward it. Last evaluated 2024-08-27.

Conditions:
Familial hypokalemia-hypomagnesemia (GTLMNS). Also called: gitelman syndrome; HYPOMAGNESEMIA-HYPOKALEMIA, PRIMARY RENOTUBULAR, WITH HYPOCALCIURIA; POTASSIUM AND MAGNESIUM DEPLETION. Identifiers: Orphanet 358, MedGen C0268450, MONDO:0009904, OMIM 263800.
SLC12A3-related disorder. Also called: SLC12A3-related condition.

Allele frequency attached by ClinVar (database versions not stated): gnomAD exomes below 0.00001; TOPMed below 0.00001; gnomAD 0.00001.
gnomAD v4.1: 5 of 1,552,234 alleles (0.00032%); highest among the groups gnomAD compares: Non-Finnish European, 0.00035%; no homozygotes.

Submissions (5):

Women's Health and Genetics/Laboratory Corporation of America, LabCorp
Classification: Uncertain significance. Last evaluated: 2024-08-27. Review status: criteria provided, single submitter. Criteria: LabCorp Variant Classification Summary - May 2015. Collection method: clinical testing. Allele origin: germline.
Comment: Variant summary: SLC12A3 c.1837G>A (p.Gly613Ser) results in a non-conservative amino acid change located in the Amino acid permease/ SLC12A domain (IPR004841) of the encoded protein sequence. Five of five in-silico tools predict a damaging effect of the variant on protein function. The variant was absent in 159114 control chromosomes. The available data on variant occurrences in the general population are insufficient to allow any conclusion about variant significance. c.1837G>A has been reported in the literature in at-least two individuals affected with Gitelman syndrome, however not all the information was provided in those studies (example, Lemmink_1998, Ji_NG). These data do not allow any conclusion about variant significance. To our knowledge, no experimental evidence demonstrating an impact on protein function has been reported. The following publications have been ascertained in the context of this evaluation (PMID: 18391953, 9734597). ClinVar contains an entry for this variant (Variation ID: 2578120). Based on the evidence outlined above, the variant was classified as uncertain significance.

Fulgent Genetics
Classification: Likely pathogenic for Familial hypokalemia-hypomagnesemia. Last evaluated: 2023-12-21. Review status: criteria provided, single submitter. Criteria: ACMG Guidelines, 2015. Collection method: clinical testing. Allele origin: germline.

GeneDx
Classification: Uncertain significance. Last evaluated: 2023-03-01. Review status: criteria provided, single submitter. Criteria: GeneDx Variant Classification Process June 2021. Collection method: clinical testing. Allele origin: germline. Affected: yes.
Comment: Reported without a second variant in a patient with Gitelman syndrome in published literature (Lemmink et al., 1998); Not observed at significant frequency in large population cohorts (gnomAD); In silico analysis supports that this missense variant has a deleterious effect on protein structure/function; This variant is associated with the following publications: (PMID: 9734597)

Blueprint Genetics
Classification: Likely pathogenic for SLC12A3-related disorders. Last evaluated: 2020-01-28. Review status: criteria provided, single submitter. Criteria: ACMG Guidelines, 2015. Collection method: clinical testing. Allele origin: germline. Affected: yes. Observed: 1 variant allele.

PreventionGenetics, part of Exact Sciences
Classification: Uncertain significance for SLC12A3-related condition. Last evaluated: 2024-07-30. Review status: no assertion criteria provided. Collection method: clinical testing. Allele origin: germline. Not counted in ClinVar's aggregate classification.
Comment: The SLC12A3 c.1837G>A variant is predicted to result in the amino acid substitution p.Gly613Ser. This variant was reported in the heterozygous state in an individual with Gitelman syndrome; however, pathogenicity was not established (Reported as 1862G>A, Gly613Ser in Lemmink et al. 1998. PubMed ID: 9734597). This variant is reported in 0.0065% of alleles in individuals of European (Non-Finnish) descent in gnomAD. At this time, the clinical significance of this variant is uncertain due to the absence of conclusive functional and genetic evidence.

Literature cited by the submitters: PubMed 18391953 (cited by Women's Health and Genetics/Laboratory Corporation of America, LabCorp); PubMed 9734597 (cited by Women's Health and Genetics/Laboratory Corporation of America, LabCorp).

NM_001126108.2(SLC12A3):c.1837G>A (p.Gly613Ser)

Gene: SLC12A3 (solute carrier family 12 member 3; plus strand). Cytogenetic location: 16q13.
Variant type: single nucleotide variant.
Coding change: c.1837G>A on transcript NM_001126108.2 (MANE Select); coding-DNA position 1837, G replaced by A.
Protein change: p.Gly613Ser; replaces glycine 613 with serine.
Molecular consequence: missense variant.
Genome position (GRCh38, 1-based): chr16:56,885,276, G>A. VCF-style: chr16-56885276-G-A. GRCh37 (hg19) VCF-style: chr16-56919188-G-A.
Other names: c.1837G>A, p.Gly613Ser (NM_000339.3); c.1834G>A, p.Gly612Ser (NM_001126107.2, NM_001410896.1); short protein forms G612S, G613S.
Identifiers: ClinVar variation 2578120 (VCV002578120.5), dbSNP rs1222807128, ClinGen allele CA395991337.